The following is an entry in ClinVar:

NM_001278116.2(L1CAM):c.3457+4G>A

Gene: L1CAM (L1 cell adhesion molecule; minus strand). Cytogenetic location: Xq28.
Variant type: single nucleotide variant.
Coding change: c.3457+4G>A on transcript NM_001278116.2 (MANE Select); 4 bases into the intron after coding-DNA position 3457, G replaced by A.
Molecular consequence: intron variant.
Genome position (GRCh38, 1-based): chrX:153,863,879, C>T on the plus strand (G>A on the coding strand, the complement: L1CAM is on the minus strand). VCF-style: chrX-153863879-C-T. GRCh37 (hg19) VCF-style: chrX-153129334-C-T.
Other names: c.3442+4G>A (NM_001143963.2); c.3457+4G>A (NM_024003.3, NM_000425.5).
Identifiers: ClinVar variation 3896061 (VCV003896061.1).

ClinVar aggregate classification (germline): Uncertain significance (1 of 4 stars; one submission).

gnomAD v4.1: 1 of 1,210,960 alleles (0.000083%); highest among the groups gnomAD compares: African/African-American, 0.0017%; no homozygotes.

Submission:

Women's Health and Genetics/Laboratory Corporation of America, LabCorp
Classification: Uncertain significance. Last evaluated: 2025-03-20. Review status: criteria provided, single submitter. Criteria: LabCorp Variant Classification Summary - May 2015. Collection method: clinical testing. Allele origin: germline.
Comment: Variant summary: L1CAM c.3457+4G>A alters a non-conserved nucleotide located close to a canonical splice site and therefore could affect mRNA splicing, leading to a significantly altered protein sequence. Consensus agreement among computation tools predict no significant impact on normal splicing. However, these predictions have yet to be confirmed by functional studies. The variant allele was found at a frequency of 5.5e-06 in 182593 control chromosomes. The available data on variant occurrences in the general population are insufficient to allow any conclusion about variant significance. To our knowledge, no occurrence of c.3457+4G>A in individuals affected with L1 Syndrome and no experimental evidence demonstrating its impact on protein function have been reported. No submitters have cited clinical-significance assessments for this variant to ClinVar. Based on the evidence outlined above, the variant was classified as uncertain significance.